The following is an entry in ClinVar:

NM_000117.3(EMD):c.400-9C>T

Gene: EMD (emerin; plus strand). Cytogenetic location: Xq28.
Variant type: single nucleotide variant.
Coding change: c.400-9C>T on transcript NM_000117.3 (MANE Select); 9 bases into the intron before coding-DNA position 400, C replaced by T.
Molecular consequence: intron variant.
Genome position (GRCh38, 1-based): chrX:154,380,744, C>T. VCF-style: chrX-154380744-C-T. GRCh37 (hg19) VCF-style: chrX-153609104-C-T.
Identifiers: ClinVar variation 227353 (VCV000227353.22), dbSNP rs782061626, ClinGen allele CA10561599.

ClinVar aggregate classification (germline): Conflicting classifications of pathogenicity. Review status: criteria provided, conflicting classifications (1 of 4 stars). 10 submissions from 10 submitters: Uncertain significance (1); Likely benign (4). 5 of the submissions do not count toward it. Last evaluated 2026-01-21.

Conditions:
Emery-Dreifuss muscular dystrophy (EDMD). Also called: Scapuloperoneal syndrome, X-linked (formerly); Humeroperoneal neuromuscular disease, (formerly). Identifiers: Orphanet 261, MedGen C0410189, MONDO:0016830.
X-linked Emery-Dreifuss muscular dystrophy. Also called: Muscular dystrophy, tardive Emery-Dreifuss type, with contractures. Identifiers: Orphanet 261, Orphanet 98863, MedGen C0751337, MONDO:0010680.

Allele frequency attached by ClinVar (database versions not stated): TOPMed 0.00005; gnomAD 0.00006 and 0.00007; gnomAD exomes 0.00008 and 0.00014; ExAC 0.00011.
gnomAD v4.1: 152 of 1,210,356 alleles (0.013%); highest among the groups gnomAD compares: Non-Finnish European, 0.016%; no homozygotes.

Submissions (10):

Labcorp Genetics (formerly Invitae), Labcorp
Classification: Likely benign for X-linked Emery-Dreifuss muscular dystrophy. Last evaluated: 2026-01-21. Review status: criteria provided, single submitter. Criteria: Invitae Variant Classification Sherloc (09022015). Collection method: clinical testing. Allele origin: germline.

Blueprint Genetics
Classification: Likely benign. Last evaluated: 2022-01-28. Review status: criteria provided, single submitter. Criteria: ACMG Guidelines, 2015. Collection method: clinical testing. Allele origin: germline.

GeneDx
Classification: Likely benign. Last evaluated: 2017-11-30. Review status: criteria provided, single submitter. Criteria: GeneDx Variant Classification (06012015). Collection method: clinical testing. Allele origin: germline. Affected: yes.
Comment: This variant is considered likely benign or benign based on one or more of the following criteria: it is a conservative change, it occurs at a poorly conserved position in the protein, it is predicted to be benign by multiple in silico algorithms, and/or has population frequency not consistent with disease.

Eurofins Ntd Llc (ga)
Classification: Uncertain significance. Last evaluated: 2017-01-03. Review status: criteria provided, single submitter. Criteria: EGL Classification Definitions 2015. Collection method: clinical testing. Allele origin: germline. Observed: 1 variant allele, 1 hemizygote.

Laboratory for Molecular Medicine, Mass General Brigham Personalized Medicine
Classification: Likely benign. Last evaluated: 2015-02-26. Review status: criteria provided, single submitter. Criteria: LMM Criteria. Collection method: clinical testing. Allele origin: germline. Observed: 1 variant allele.
Comment: c.400-9C>T in intron 5 of EMD: This variant is not expected to have clinical sig nificance because a C>T change at this position does not diverge from the splice consensus sequence and is therefore unlikely to impact splicing. In addition, i t has been identified in 10/47376 European chromosomes including 3 hemizygous ma les by the Exome Aggregation Consortium (ExAC).

Natera, Inc.
Classification: Likely benign for Emery-Dreifuss muscular dystrophy. Last evaluated: 2020-01-08. Review status: no assertion criteria provided. Collection method: clinical testing. Allele origin: germline. Not counted in ClinVar's aggregate classification.

Clinical Genetics, Academic Medical Center
Classification: Benign. Review status: no assertion criteria provided. Collection method: clinical testing. Allele origin: germline. Affected: yes. Study: VKGL Data-share Consensus. Not counted in ClinVar's aggregate classification.

Diagnostic Laboratory, Department of Genetics, University Medical Center Groningen
Classification: Likely benign for Emery-Dreifuss muscular dystrophy 1, X-linked. Review status: no assertion criteria provided. Collection method: clinical testing. Allele origin: germline. Affected: yes. Study: VKGL Data-share Consensus. Not counted in ClinVar's aggregate classification.

Genome Diagnostics Laboratory, University Medical Center Utrecht
Classification: Likely benign. Review status: no assertion criteria provided. Collection method: clinical testing. Allele origin: germline. Affected: yes. Study: VKGL Data-share Consensus. Not counted in ClinVar's aggregate classification.

Joint Genome Diagnostic Labs from Nijmegen and Maastricht, Radboudumc and MUMC+
Classification: Likely benign. Review status: no assertion criteria provided. Collection method: clinical testing. Allele origin: germline. Affected: yes. Study: VKGL Data-share Consensus. Not counted in ClinVar's aggregate classification.